The following is an entry in ClinVar:

NM_000294.3(PHKG2):c.528C>A (p.Cys176Ter)

Gene: PHKG2 (phosphorylase kinase catalytic subunit gamma 2; plus strand). Cytogenetic location: 16p11.2.
Variant type: single nucleotide variant.
Coding change: c.528C>A on transcript NM_000294.3 (MANE Select); coding-DNA position 528, C replaced by A.
Protein change: p.Cys176Ter; replaces cysteine 176 with a stop codon.
Molecular consequence: nonsense.
Genome position (GRCh38, 1-based): chr16:30,753,529, C>A. VCF-style: chr16-30753529-C-A. GRCh37 (hg19) VCF-style: chr16-30764850-C-A.
Other names: c.528C>A, p.Cys176Ter (NM_001172432.2); short protein forms C176*.
Identifiers: ClinVar variation 3931692 (VCV003931692.1).

ClinVar aggregate classification (germline): Pathogenic (1 of 4 stars; one submission).

Conditions:
Inborn genetic diseases. Identifiers: MedGen C0950123, MeSH D030342.

Submission:

Ambry Genetics
Classification: Pathogenic for Inborn genetic diseases. Last evaluated: 2025-04-02. Review status: criteria provided, single submitter. Criteria: Ambry Variant Classification Scheme 2023. Collection method: clinical testing. Allele origin: germline.
Comment: The c.528C>A (p.C176*) alteration, located in exon 6 (coding exon 5) of the PHKG2 gene, consists of a C to A substitution at nucleotide position 528. This changes the amino acid from a cysteine (C) to a stop codon at amino acid position 176. This alteration is expected to result in loss of function by premature protein truncation or nonsense-mediated mRNA decay. This variant was not reported in population-based cohorts in the Genome Aggregation Database (gnomAD). Based on the available evidence, this alteration is classified as pathogenic.